The following is an entry in ClinVar:

ClinVar aggregate classification (germline): Uncertain significance (1 of 4 stars; one submission).

Conditions:
Familial focal epilepsy with variable foci (FPEVF). Identifiers: Orphanet 98820, MedGen C1858477, MONDO:0020310.

Allele frequency attached by ClinVar (database versions not stated): gnomAD exomes below 0.00001.

Submission:

Labcorp Genetics (formerly Invitae), Labcorp
Classification: Uncertain significance for Familial focal epilepsy with variable foci. Last evaluated: 2024-10-15. Review status: criteria provided, single submitter. Criteria: Invitae Variant Classification Sherloc (09022015). Collection method: clinical testing. Allele origin: germline.
Comment: This sequence change replaces alanine, which is neutral and non-polar, with valine, which is neutral and non-polar, at codon 240 of the DEPDC5 protein (p.Ala240Val). This variant is not present in population databases (gnomAD no frequency). This variant has not been reported in the literature in individuals affected with DEPDC5-related conditions. ClinVar contains an entry for this variant (Variation ID: 1378084). Experimental studies and prediction algorithms are not available or were not evaluated, and the functional significance of this variant is currently unknown. In summary, the available evidence is currently insufficient to determine the role of this variant in disease. Therefore, it has been classified as a Variant of Uncertain Significance.

NM_001242896.3(DEPDC5):c.719C>T (p.Ala240Val)

Gene: DEPDC5 (DEP domain containing 5, GATOR1 subcomplex subunit; plus strand). Cytogenetic location: 22q12.2.
Variant type: single nucleotide variant.
Coding change: c.719C>T on transcript NM_001242896.3 (MANE Select); coding-DNA position 719, C replaced by T.
Protein change: p.Ala240Val; replaces alanine 240 with valine.
Molecular consequence: missense variant. On other transcripts: non-coding transcript variant (5).
Genome position (GRCh38, 1-based): chr22:31,792,769, C>T. VCF-style: chr22-31792769-C-T. GRCh37 (hg19) VCF-style: chr22-32188755-C-T.
Other names: c.719C>T, p.Ala240Val (NM_001007188.4, NM_001136029.4, NM_001242897.2 and 7 more transcripts); c.635C>T, p.Ala212Val (NM_001369901.1, NM_001369902.1); short protein forms A240V, A212V.
Identifiers: ClinVar variation 1378084 (VCV001378084.6), dbSNP rs1335967704, ClinGen allele CA411289016.